The following is an entry in ClinVar:

ClinVar aggregate classification (germline): Uncertain significance (1 of 4 stars; one submission).

Conditions:
RET-related disorder. Also called: RET-related condition; RET-related disease; RET-related disorders.

Submission:

PreventionGenetics, part of Exact Sciences
Classification: Uncertain significance for RET-related condition. Last evaluated: 2026-01-30. Review status: criteria provided, single submitter. Criteria: ACMG Guidelines, 2015. Collection method: clinical testing. Allele origin: germline.
Comment: The RET c.1778G>T variant is predicted to result in the amino acid substitution p.Gly593Val. To our knowledge, this variant has not been reported in the literature or in a large population database (gnomAD), indicating this variant is rare. At the time of reporting, this variant is absent from the ClinVar database. At this time, the clinical significance of this variant is uncertain due to the absence of conclusive functional and genetic evidence.

NM_020975.6(RET):c.1778G>T (p.Gly593Val)

Gene: RET (ret proto-oncogene; plus strand). Cytogenetic location: 10q11.21.
Variant type: single nucleotide variant.
Coding change: c.1778G>T on transcript NM_020975.6 (MANE Select); coding-DNA position 1778, G replaced by T.
Protein change: p.Gly593Val; replaces glycine 593 with valine.
Molecular consequence: missense variant. On other transcripts: intron variant (2).
Genome position (GRCh38, 1-based): chr10:43,113,574, G>T. VCF-style: chr10-43113574-G-T. GRCh37 (hg19) VCF-style: chr10-43609022-G-T.
Other names: c.1016G>T, p.Gly339Val (NM_001355216.2); c.1778G>T, p.Gly593Val (NM_001406743.1, NM_001406744.1, NM_001406759.1 and 4 more transcripts); c.1649G>T, p.Gly550Val (NM_001406761.1, NM_001406762.1, NM_001406764.1 and 1 more transcripts); c.1490G>T, p.Gly497Val (NM_001406766.1, NM_001406767.1, NM_001406770.1); c.1382G>T, p.Gly461Val (NM_001406769.1, NM_001406772.1); c.1340G>T, p.Gly447Val (NM_001406771.1, NM_001406773.1); c.1253G>T, p.Gly418Val (NM_001406774.1); c.1052G>T, p.Gly351Val (NM_001406775.1, NM_001406776.1, NM_001406777.1 and 1 more transcripts); and 7 more; short protein forms G263V, G418V, G550V, G593V, G339V, G351V, G461V, G251V.
Identifiers: ClinVar variation 4996367 (VCV004996367.1).